The following is an entry in ClinVar:

ClinVar aggregate classification (germline): Pathogenic/Likely pathogenic. Review status: criteria provided, multiple submitters, no conflicts (2 of 4 stars). 4 submissions from 4 submitters: Pathogenic (2); Likely pathogenic (2). Last evaluated 2026-09-08.

Conditions:
Fabry disease. Also called: Fabry's disease; Angiokeratoma corporis diffusum; Ceramide trihexosidosis; ALPHA-GALACTOSIDASE A DEFICIENCY; ANDERSON-FABRY DISEASE; CERAMIDE TRIHEXOSIDASE DEFICIENCY. Identifiers: Orphanet 324, MedGen C0002986, MONDO:0010526, OMIM 301500, HP:0001071. Disease mechanism: loss of function, Fabry disease is due to inactivating mutations in the X-linked GLA gene resulting in deficiency of the enzyme Alpha Galactosidase-A..

Submissions (4):

Genomenon, Inc
Classification: Pathogenic for Fabry disease. Last evaluated: 2026-09-08. Review status: criteria provided, single submitter. Criteria: Genomenon Sequence Variant Interpretation Standards - Updated. Collection method: curation. Allele origin: germline. Affected: yes.
Comment: GLA p.Leu129Pro (c.386T>C) is a missense variant that changes the amino acid at codon 129 from Leucine to Proline. This variant has been observed in at least one proband with clinical features consistent with Fabry disease (PMID:32583479;18424138;31649303;20022777;32150461;12952834;14505049;28682471;16720462). The variant was found to segregate with disease in at least one affected family (PMID:12952834). At least one functional study has demonstrated a substantial alteration in protein function relative to the wild-type (PMID:32023956;27657681). It is absent or not present at a significant frequency in gnomAD. In silico models predict that this variant is possibly or probably damaging. In conclusion, we classify GLA p.Leu129Pro (c.386T>C) as a pathogenic variant.

Genome-Nilou Lab
Classification: Likely pathogenic for Fabry disease. Last evaluated: 2021-07-15. Review status: criteria provided, single submitter. Criteria: ACMG Guidelines, 2015. Collection method: clinical testing. Allele origin: germline. Affected: no.

Women's Health and Genetics/Laboratory Corporation of America, LabCorp
Classification: Pathogenic for Fabry disease. Last evaluated: 2019-11-19. Review status: criteria provided, single submitter. Criteria: LabCorp Variant Classification Summary - May 2015. Collection method: clinical testing. Allele origin: germline.
Comment: Variant summary: GLA c.386T>C (p.Leu129Pro) results in a non-conservative amino acid change in the encoded protein sequence. Five of five in-silico tools predict a damaging effect of the variant on protein function. The variant was absent in 183448 control chromosomes. c.386T>C has been reported in the literature in multiple individuals affected with Fabry Disease (Whybra_2001, Sirrs_2010, Chmiel_2018, Lenders_2016). These data indicate that the variant is very likely to be associated with disease. The variant was reported to have an in vitro enzyme activity of 0% compared to wild-type (Lukas_2013). A ClinVar submission (evaluation after 2014) cites the variant as likely pathogenic. Based on the evidence outlined above, the variant was classified as pathogenic.

Laboratory for Molecular Medicine, Mass General Brigham Personalized Medicine
Classification: Likely pathogenic for Fabry disease. Last evaluated: 2018-02-15. Review status: criteria provided, single submitter. Criteria: LMM Criteria. Collection method: clinical testing. Allele origin: germline. Observed: 1 variant allele.
Comment: proposed classification - variant undergoing re-assessment, contact laboratory

Literature cited by the submitters: PubMed 32583479 (cited by Genomenon, Inc); PubMed 18424138 (cited by Genomenon, Inc); PubMed 31649303 (cited by Genomenon, Inc); PubMed 20022777 (cited by Genomenon, Inc and Women's Health and Genetics/Laboratory Corporation of America, LabCorp); PubMed 32150461 (cited by Genomenon, Inc); PubMed 12952834 (cited by Genomenon, Inc); PubMed 14505049 (cited by Genomenon, Inc); PubMed 28682471 (cited by Genomenon, Inc); PubMed 16720462 (cited by Genomenon, Inc); PubMed 32023956 (cited by Genomenon, Inc); PubMed 27657681 (cited by Genomenon, Inc); PubMed 23935525 (cited by Women's Health and Genetics/Laboratory Corporation of America, LabCorp); PubMed 27356758 (cited by Women's Health and Genetics/Laboratory Corporation of America, LabCorp); PubMed 11804208 (cited by Women's Health and Genetics/Laboratory Corporation of America, LabCorp and Laboratory for Molecular Medicine, Mass General Brigham Personalized Medicine); PubMed 15776423 (cited by Laboratory for Molecular Medicine, Mass General Brigham Personalized Medicine).

NM_000169.3(GLA):c.386T>C (p.Leu129Pro)

Genes: GLA (galactosidase alpha; minus strand), RPL36A-HNRNPH2 (RPL36A-HNRNPH2 readthrough; plus strand). Cytogenetic location: Xq22.1.
Variant type: single nucleotide variant.
Coding change: c.386T>C on transcript NM_000169.3 (MANE Select); coding-DNA position 386, T replaced by C.
Protein change: p.Leu129Pro; replaces leucine 129 with proline.
Molecular consequence: missense variant. On other transcripts: non-coding transcript variant (3), intron variant (2).
Genome position (GRCh38, 1-based): chrX:101,401,793, A>G on the plus strand (T>C on the coding strand, the complement: GLA is on the minus strand). VCF-style: chrX-101401793-A-G. GRCh37 (hg19) VCF-style: chrX-100656781-A-G.
Other names: c.509T>C, p.Leu170Pro (NM_001406747.1, NM_001406749.1); c.386T>C, p.Leu129Pro (NM_001406748.1); c.300+6336A>G (NM_001199973.2); c.177+9971A>G (NM_001199974.2); short protein forms L129P, L170P.
Identifiers: ClinVar variation 163546 (VCV000163546.9), dbSNP rs727503072, ClinGen allele CA021696.